The following is an entry in ClinVar:

ClinVar aggregate classification (germline): not provided (0 of 4 stars; one submission).

Conditions:
Familial cancer of breast. Also called: Hereditary breast cancer; hereditary breast carcinoma; BREAST CANCER, FAMILIAL. Identifiers: Orphanet 227535, MedGen C0346153, MONDO:0016419, OMIM 114480. Disease mechanism: loss of function.

Submissions (2):

Brotman Baty Institute, University of Washington
No classification provided (evidence only). Condition: Breast-ovarian cancer, familial 1. Review status: no classification provided. Collection method: in vitro. Allele origin: not applicable. Functional consequence: functionally_normal. Not counted in ClinVar's aggregate classification.
ClinVar note: "not provided" was previously submitted as the classification for the variant. However, the classification appeared to be based only on an observation of functional data so it was converted to no classification on 2025-07-30.

ClinVar Staff, National Center for Biotechnology Information (NCBI)
No classification provided. Condition: Familial cancer of breast. Review status: no classification provided. Collection method: literature only. Allele origin: germline. Affected: yes.

Literature cited by the submitters: PubMed 18835712 (cited by ClinVar Staff, National Center for Biotechnology Information (NCBI)); PubMed 16403807 (cited by ClinVar Staff, National Center for Biotechnology Information (NCBI)).

NM_007294.4(BRCA1):c.168A>T (p.Lys56Asn)

Gene: BRCA1 (BRCA1 DNA repair associated; minus strand). Cytogenetic location: 17q21.31.
Variant type: single nucleotide variant.
Coding change: c.168A>T on transcript NM_007294.4 (MANE Select); coding-DNA position 168, A replaced by T.
Protein change: p.Lys56Asn; replaces lysine 56 with asparagine.
Molecular consequence: missense variant. On other transcripts: non-coding transcript variant (1).
Genome position (GRCh38, 1-based): chr17:43,106,500, T>A on the plus strand (A>T on the coding strand, the complement: BRCA1 is on the minus strand). VCF-style: chr17-43106500-T-A. GRCh37 (hg19) VCF-style: chr17-41258517-T-A.
Other names: c.168A>T, p.Lys56Asn (NM_001407630.1, NM_001407631.1, NM_001407632.1 and 168 more transcripts); c.27A>T, p.Lys9Asn (NM_001407692.1, NM_001407694.1, NM_001407695.1 and 99 more transcripts); c.-21A>T (NM_001407853.1, NM_001407879.1, NM_001407881.1 and 58 more transcripts); short protein forms K56N, K9N.
Identifiers: ClinVar variation 54325 (VCV000054325.4), dbSNP rs397508898, ClinGen allele CA001108.